The following is an entry in ClinVar:

ClinVar aggregate classification (germline): Benign/Likely benign. Review status: criteria provided, multiple submitters, no conflicts (2 of 4 stars). 3 submissions from 3 submitters: Benign (1); Likely benign (2). Last evaluated 2025-03-19.

Conditions:
Pheochromocytoma/paraganglioma syndrome 5. Also called: Paragangliomas 5; SDHA-Related Hereditary Paraganglioma-Pheochromocytoma Syndrome. Identifiers: Orphanet 29072, MedGen C3279992, MONDO:0013602, OMIM 614165.
Mitochondrial complex II deficiency, nuclear type 1. Also called: SUCCINATE CoQ REDUCTASE DEFICIENCY. Identifiers: Orphanet 3208, MedGen C5700310, MONDO:0100294, OMIM 252011.
Hereditary cancer-predisposing syndrome. Also called: Tumor predisposition; Neoplastic Syndromes, Hereditary; Hereditary Cancer Syndrome; Hereditary neoplastic syndrome. Identifiers: Orphanet 140162, MedGen C0027672, MeSH D009386, MONDO:0015356.

Allele frequency attached by ClinVar (database versions not stated): gnomAD exomes below 0.00001.
gnomAD v4.1: 2 of 1,611,696 alleles (0.00012%); highest among the groups gnomAD compares: Admixed American, 0.0017%; no homozygotes.

Submissions (3):

Labcorp Genetics (formerly Invitae), Labcorp
Classification: Likely benign for Pheochromocytoma/paraganglioma syndrome 5; Mitochondrial complex II deficiency, nuclear type 1. Last evaluated: 2025-03-19. Review status: criteria provided, single submitter. Criteria: Invitae Variant Classification Sherloc (09022015). Collection method: clinical testing. Allele origin: germline.

Myriad Genetics, Inc.
Classification: Benign for Pheochromocytoma/paraganglioma syndrome 5. Last evaluated: 2025-03-10. Review status: criteria provided, single submitter. Criteria: Myriad Autosomal Dominant, Autosomal Recessive and X-Linked Classification Criteria (2023). Collection method: clinical testing. Allele origin: unknown.
Comment: This variant is considered benign. This variant is a silent/synonymous amino acid change and it is not expected to impact splicing.

Ambry Genetics
Classification: Likely benign for Hereditary cancer-predisposing syndrome. Last evaluated: 2022-11-17. Review status: criteria provided, single submitter. Criteria: Ambry Variant Classification Scheme 2023. Collection method: clinical testing. Allele origin: germline.

NM_004168.4(SDHA):c.1498A>C (p.Arg500=)

Gene: SDHA (succinate dehydrogenase complex flavoprotein subunit A; plus strand). Cytogenetic location: 5p15.33.
Variant type: single nucleotide variant.
Coding change: c.1498A>C on transcript NM_004168.4 (MANE Select); coding-DNA position 1498, A replaced by C.
Protein change: p.Arg500=; no amino-acid change (arginine 500 retained).
Molecular consequence: synonymous variant.
Genome position (GRCh38, 1-based): chr5:240,423, A>C. VCF-style: chr5-240423-A-C. GRCh37 (hg19) VCF-style: chr5-240538-A-C.
Other names: c.1498A>C (NM_004168.2); c.1354A>C, p.Arg452= (NM_001294332.2); c.1498A>C, p.Arg500= (NM_001330758.2).
Identifiers: ClinVar variation 1129758 (VCV001129758.11), dbSNP rs2126602800, ClinGen allele CA442692228.
Genomic context (GRCh38, chr5:240,423, plus strand): 5'-AAAGTCCCTCCAATTAAACCAAACGCTGGGGAAGAATCTGTCATGAATCTTGACAAATTG[A>C]GATTTGCTGATGGAAGCATAAGAACATCGGAACTGCGACTCAGCATGCAGAAGGTAAGAG-3'
Protein context (NP_004159.2, residues 490-510): EESVMNLDKL[Arg500=]FADGSIRTSE